The following is an entry in ClinVar:

NM_001360.3(DHCR7):c.223A>T (p.Ile75Phe)

Gene: DHCR7 (7-dehydrocholesterol reductase; minus strand). Cytogenetic location: 11q13.4.
Variant type: single nucleotide variant.
Coding change: c.223A>T on transcript NM_001360.3 (MANE Select); coding-DNA position 223, A replaced by T.
Protein change: p.Ile75Phe; replaces isoleucine 75 with phenylalanine.
Molecular consequence: missense variant.
Genome position (GRCh38, 1-based): chr11:71,444,091, T>A on the plus strand (A>T on the coding strand, the complement: DHCR7 is on the minus strand). VCF-style: chr11-71444091-T-A. GRCh37 (hg19) VCF-style: chr11-71155137-T-A.
Other names: c.223A>T, p.Ile75Phe (NM_001163817.2); short protein forms I75F.
Identifiers: ClinVar variation 197193 (VCV000197193.25), dbSNP rs370748173, ClinGen allele CA245187.
Genomic context (GRCh38, chr11:71,444,091, plus strand): 5'-TCCTCGTTATAGGTGGAGTCTTGGCCCAGATGTCCGAGAGCCGAGCATGTCCGGTGACGA[T>A]GTCCACCACAGGGCCAGTCAGGGCGCAGCTGTACTGGTCACAAGCCATGATGAAGTAGTA-3'
Protein context (NP_001351.2, residues 65-85): SCALTGPVVD[Ile75Phe]VTGHARLSDI

ClinVar aggregate classification (germline): Uncertain significance. Review status: criteria provided, multiple submitters, no conflicts (2 of 4 stars). 9 submissions from 9 submitters: Uncertain significance (8). 1 of the submissions does not count toward it. Last evaluated 2026-06-23.

Conditions:
DHCR7-related disorder. Also called: DHCR7-related condition.
Inborn genetic diseases. Identifiers: MedGen C0950123, MeSH D030342.
Smith-Lemli-Opitz syndrome (SLOS). Also called: 7-Dehydrocholesterol reductase deficiency; LETHAL ACRODYSGENITAL SYNDROME; POLYDACTYLY, SEX REVERSAL, RENAL HYPOPLASIA, AND UNILOBAR LUNG; RSH SYNDROME; RUTLEDGE LETHAL MULTIPLE CONGENITAL ANOMALY SYNDROME. Identifiers: Orphanet 818, MedGen C0175694, MONDO:0010035, OMIM 270400.

Allele frequency attached by ClinVar (database versions not stated): gnomAD 0.00005; ExAC 0.00010; gnomAD exomes 0.00011; TOPMed 0.00011; ESP Exome Variant Server 0.00015.
gnomAD v4.1: 409 of 1,613,504 alleles (0.025%); highest among the groups gnomAD compares: Non-Finnish European, 0.033%; 1 homozygote.

Submissions (9):

PreventionGenetics, part of Exact Sciences
Classification: Uncertain significance for DHCR7-related condition. Last evaluated: 2026-06-23. Review status: criteria provided, single submitter. Criteria: ACMG Guidelines, 2015. Collection method: clinical testing. Allele origin: germline.
Comment: The DHCR7 c.223A>T variant is predicted to result in the amino acid substitution p.Ile75Phe. To our knowledge, this variant has not been reported in the literature. This variant is reported in 0.017% of alleles in individuals of European (Non-Finnish) descent in gnomAD. At this time, the clinical significance of this variant is uncertain due to the absence of conclusive functional and genetic evidence.

GeneDx
Classification: Uncertain significance. Last evaluated: 2025-12-16. Review status: criteria provided, single submitter. Criteria: GeneDx Variant Classification Process June 2021. Collection method: clinical testing. Allele origin: germline. Affected: yes.
Comment: In silico analysis supports that this missense variant has a deleterious effect on protein structure/function; Has not been previously published as pathogenic or benign in a patient with a known DHCR7-related disorder to our knowledge; This variant is associated with the following publications: (PMID: 24813812, 29300326)

Ambry Genetics
Classification: Uncertain significance for Inborn genetic diseases. Last evaluated: 2025-04-17. Review status: criteria provided, single submitter. Criteria: Ambry Variant Classification Scheme 2023. Collection method: clinical testing. Allele origin: germline.
Comment: The c.223A>T (p.I75F) alteration is located in exon 4 (coding exon 2) of the DHCR7 gene. This alteration results from a A to T substitution at nucleotide position 223, causing the isoleucine (I) at amino acid position 75 to be replaced by a phenylalanine (F). The p.I75F alteration is predicted to be tolerated by in silico analysis. Based on insufficient or conflicting evidence, the clinical significance of this alteration remains unclear.

Labcorp Genetics (formerly Invitae), Labcorp
Classification: Uncertain significance for Smith-Lemli-Opitz syndrome. Last evaluated: 2022-09-27. Review status: criteria provided, single submitter. Criteria: Invitae Variant Classification Sherloc (09022015). Collection method: clinical testing. Allele origin: germline.
Comment: This sequence change replaces isoleucine, which is neutral and non-polar, with phenylalanine, which is neutral and non-polar, at codon 75 of the DHCR7 protein (p.Ile75Phe). This variant is present in population databases (rs370748173, gnomAD 0.02%). This variant has not been reported in the literature in individuals affected with DHCR7-related conditions. ClinVar contains an entry for this variant (Variation ID: 197193). Advanced modeling of protein sequence and biophysical properties (such as structural, functional, and spatial information, amino acid conservation, physicochemical variation, residue mobility, and thermodynamic stability) has been performed at Invitae for this missense variant, however the output from this modeling did not meet the statistical confidence thresholds required to predict the impact of this variant on DHCR7 protein function. In summary, the available evidence is currently insufficient to determine the role of this variant in disease. Therefore, it has been classified as a Variant of Uncertain Significance.

Genetic Services Laboratory, University of Chicago
Classification: Uncertain significance. Last evaluated: 2019-04-15. Review status: criteria provided, single submitter. Criteria: ACMG Guidelines, 2015. Collection method: clinical testing. Allele origin: germline. Affected: no.

Fulgent Genetics
Classification: Uncertain significance for Smith-Lemli-Opitz syndrome. Last evaluated: 2018-10-31. Review status: criteria provided, single submitter. Criteria: ACMG Guidelines, 2015. Collection method: clinical testing. Allele origin: unknown.

Illumina Laboratory Services, Illumina
Classification: Uncertain significance for Smith-Lemli-Opitz syndrome. Last evaluated: 2018-01-13. Review status: criteria provided, single submitter. Criteria: ICSL Variant Classification Criteria 13 December 2019. Collection method: clinical testing. Allele origin: germline.

Eurofins Ntd Llc (ga)
Classification: Uncertain significance. Last evaluated: 2015-01-05. Review status: criteria provided, single submitter. Criteria: EGL Classification Definitions 2015. Collection method: clinical testing. Allele origin: germline. Observed: 1 variant allele, 1 heterozygote.

Natera, Inc.
Classification: Uncertain significance for Smith-Lemli-Opitz syndrome. Last evaluated: 2017-03-27. Review status: no assertion criteria provided. Collection method: clinical testing. Allele origin: germline. Not counted in ClinVar's aggregate classification.